The following is an entry in ClinVar:

NM_000179.3(MSH6):c.261-3C>T

Gene: MSH6 (mutS homolog 6; plus strand). Cytogenetic location: 2p16.3.
Variant type: single nucleotide variant.
Coding change: c.261-3C>T on transcript NM_000179.3 (MANE Select); 3 bases into the intron before coding-DNA position 261, C replaced by T.
Molecular consequence: intron variant.
Genome position (GRCh38, 1-based): chr2:47,790,924, C>T. VCF-style: chr2-47790924-C-T. GRCh37 (hg19) VCF-style: chr2-48018063-C-T.
Other names: c.-40C>T (NM_001406830.1); c.-476-3C>T (NM_001281493.2); c.237+7454C>T (NM_001281492.2); c.-642-3C>T (NM_001281494.2).
Identifiers: ClinVar variation 1793828 (VCV001793828.4), dbSNP rs2104097957, ClinGen allele CA891841781.

ClinVar aggregate classification (germline): Conflicting classifications of pathogenicity. Review status: criteria provided, conflicting classifications (1 of 4 stars). 2 submissions from 2 submitters: Uncertain significance (1); Likely benign (1). Last evaluated 2021-07-17.

Conditions:
Hereditary cancer-predisposing syndrome. Also called: Tumor predisposition; Hereditary Cancer Syndrome; Neoplastic Syndromes, Hereditary; Hereditary neoplastic syndrome. Identifiers: Orphanet 140162, MedGen C0027672, MeSH D009386, MONDO:0015356.
Hereditary nonpolyposis colorectal neoplasms. Identifiers: MedGen C0009405, MeSH D003123.

Allele frequency attached by ClinVar (database versions not stated): gnomAD exomes below 0.00001.
gnomAD v4.1: 2 of 1,614,114 alleles (0.00012%); highest among the groups gnomAD compares: Non-Finnish European, 0.00017%; no homozygotes.

Submissions (2):

Labcorp Genetics (formerly Invitae), Labcorp
Classification: Uncertain significance for Hereditary nonpolyposis colorectal neoplasms. Last evaluated: 2021-07-17. Review status: criteria provided, single submitter. Criteria: Invitae Variant Classification Sherloc (09022015). Collection method: clinical testing. Allele origin: germline.
Comment: This sequence change falls in intron 1 of the MSH6 gene. It does not directly change the encoded amino acid sequence of the MSH6 protein. It affects a nucleotide within the consensus splice site of the intron. This variant is not present in population databases (ExAC no frequency). This variant has not been reported in the literature in individuals with MSH6-related conditions. Nucleotide substitutions within the consensus splice site are a relatively common cause of aberrant splicing (PMID: 17576681, 9536098). Algorithms developed to predict the effect of sequence changes on RNA splicing suggest that this variant may disrupt the consensus splice site, but this prediction has not been confirmed by published transcriptional studies. In summary, the available evidence is currently insufficient to determine the role of this variant in disease. Therefore, it has been classified as a Variant of Uncertain Significance.

Ambry Genetics
Classification: Likely benign for Hereditary cancer-predisposing syndrome. Last evaluated: 2020-01-27. Review status: criteria provided, single submitter. Criteria: Ambry Variant Classification Scheme 2023. Collection method: clinical testing. Allele origin: germline.

Literature cited by the submitters: PubMed 17576681 (cited by Labcorp Genetics (formerly Invitae), Labcorp); PubMed 9536098 (cited by Labcorp Genetics (formerly Invitae), Labcorp).